The following is an entry in ClinVar:

ClinVar aggregate classification (germline): Benign/Likely benign. Review status: criteria provided, multiple submitters, no conflicts (2 of 4 stars). 3 submissions from 3 submitters: Benign (1); Likely benign (1). 1 of the submissions does not count toward it. Last evaluated 2025-03-31.

Conditions:
PACS2-related disorder. Also called: PACS2-related condition.

Allele frequency attached by ClinVar (database versions not stated): TOPMed 0.00003; ExAC 0.00011; gnomAD exomes 0.00020 and 0.00049; gnomAD 0.00028 and 0.00031.
gnomAD v4.1: 325 of 1,549,860 alleles (0.021%); highest among the groups gnomAD compares: Non-Finnish European, 0.0067%; 2 homozygotes.

Submissions (3):

Labcorp Genetics (formerly Invitae), Labcorp
Classification: Benign. Last evaluated: 2025-03-31. Review status: criteria provided, single submitter. Criteria: Invitae Variant Classification Sherloc (09022015). Collection method: clinical testing. Allele origin: germline.

Blueprint Genetics
Classification: Likely benign. Last evaluated: 2024-06-25. Review status: criteria provided, single submitter. Criteria: ACMG Guidelines, 2015. Collection method: clinical testing. Allele origin: germline.

PreventionGenetics, part of Exact Sciences
Classification: Benign for PACS2-related condition. Last evaluated: 2019-08-09. Review status: no assertion criteria provided. Collection method: clinical testing. Allele origin: germline. Not counted in ClinVar's aggregate classification.
Comment: This variant is classified as benign based on ACMG/AMP sequence variant interpretation guidelines (Richards et al. 2015 PMID: 25741868, with internal and published modifications).

NM_001100913.3(PACS2):c.1368C>T (p.Asn456=)

Gene: PACS2 (phosphofurin acidic cluster sorting protein 2; plus strand). Cytogenetic location: 14q32.33.
Variant type: single nucleotide variant.
Coding change: c.1368C>T on transcript NM_001100913.3 (MANE Select); coding-DNA position 1368, C replaced by T.
Protein change: p.Asn456=; no amino-acid change (asparagine 456 retained).
Molecular consequence: synonymous variant.
Genome position (GRCh38, 1-based): chr14:105,382,013, C>T. VCF-style: chr14-105382013-C-T. GRCh37 (hg19) VCF-style: chr14-105848350-C-T.
Other names: c.1368C>T (NM_001100913.2); c.1143C>T, p.Asn381= (NM_001243127.3); c.1368C>T, p.Asn456= (NM_015197.4).
Identifiers: ClinVar variation 1641747 (VCV001641747.10), dbSNP rs782636598, ClinGen allele CA7388789.